The following is an entry in ClinVar:

NM_001009944.3(PKD1):c.10774A>C (p.Ser3592Arg)

Genes: PKD1 (polycystin 1, transient receptor potential channel interacting; minus strand), PKD1-AS1 (PKD1 antisense RNA 1; plus strand). Cytogenetic location: 16p13.3.
Variant type: single nucleotide variant.
Coding change: c.10774A>C on transcript NM_001009944.3 (MANE Select); coding-DNA position 10774, A replaced by C.
Protein change: p.Ser3592Arg; replaces serine 3592 with arginine.
Molecular consequence: missense variant.
Genome position (GRCh38, 1-based): chr16:2,093,858, T>G on the plus strand (A>C on the coding strand, the complement: PKD1 is on the minus strand). VCF-style: chr16-2093858-T-G. GRCh37 (hg19) VCF-style: chr16-2143859-T-G.
Other names: c.10771A>C, p.Ser3591Arg (NM_000296.4); short protein forms S3591R, S3592R.
Identifiers: ClinVar variation 1690916 (VCV001690916.2), dbSNP rs1431066682, ClinGen allele CA394340006.

ClinVar aggregate classification (germline): Uncertain significance (1 of 4 stars; one submission).

Submission:

Laboratorio de Genetica e Diagnostico Molecular, Hospital Israelita Albert Einstein
Classification: Uncertain significance. Last evaluated: 2020-07-21. Review status: criteria provided, single submitter. Criteria: ACMG Guidelines, 2015. Collection method: clinical testing. Allele origin: germline. Affected: yes.
Comment: ACMG classification criteria: PM2, BP4